The following is an entry in ClinVar:

NM_002382.5(MAX):c.280C>A (p.Leu94Ile)

Gene: MAX (MYC associated transcriptional regulator X; minus strand). Cytogenetic location: 14q23.3.
Variant type: single nucleotide variant.
Coding change: c.280C>A on transcript NM_002382.5 (MANE Select); coding-DNA position 280, C replaced by A.
Protein change: p.Leu94Ile; replaces leucine 94 with isoleucine.
Molecular consequence: missense variant. On other transcripts: synonymous variant (4), 5 prime UTR variant (2), non-coding transcript variant (7), intron variant (2).
Genome position (GRCh38, 1-based): chr14:65,077,928, G>T on the plus strand (C>A on the coding strand, the complement: MAX is on the minus strand). VCF-style: chr14-65077928-G-T. GRCh37 (hg19) VCF-style: chr14-65544646-G-T.
Other names: c.6C>A, p.Leu2= (NM_001320415.2, NM_001407105.1, NM_001407106.1 and 1 more transcripts); c.280C>A, p.Leu94Ile (NM_001407094.1, NM_001407096.1, NM_001407097.1 and 3 more transcripts); c.253C>A, p.Leu85Ile (NM_001407095.1, NM_001407099.1, NM_001407100.1 and 6 more transcripts); c.172C>A, p.Leu58Ile (NM_001407098.1); c.-88C>A (NM_001407111.1, NM_001407112.1); c.144+15780C>A (NM_001271069.2); c.171+15780C>A (NM_197957.4); short protein forms L94I, L85I, L58I.
Identifiers: ClinVar variation 845475 (VCV000845475.15), dbSNP rs1595130897, ClinGen allele CA390035408.

ClinVar aggregate classification (germline): Uncertain significance. Review status: criteria provided, multiple submitters, no conflicts (2 of 4 stars). 2 submissions from 2 submitters: Uncertain significance (2). Last evaluated 2026-08-27.

Conditions:
Hereditary pheochromocytoma and paraganglioma. Also called: Hereditary paragangliomas and pheochromocytomas; Hereditary Paraganglioma-Pheochromocytoma Syndromes; Hereditary pheochromocytoma-paraganglioma. Identifiers: Orphanet 29072, MedGen C4274332, MONDO:0017366.
Hereditary cancer-predisposing syndrome. Also called: Tumor predisposition; Hereditary neoplastic syndrome; Neoplastic Syndromes, Hereditary; Hereditary Cancer Syndrome. Identifiers: Orphanet 140162, MedGen C0027672, MeSH D009386, MONDO:0015356.

Submissions (2):

Ambry Genetics
Classification: Uncertain significance for Hereditary cancer-predisposing syndrome. Last evaluated: 2026-08-27. Review status: criteria provided, single submitter. Criteria: Ambry Variant Classification Scheme 2023. Collection method: clinical testing. Allele origin: germline.

Labcorp Genetics (formerly Invitae), Labcorp
Classification: Uncertain significance for Hereditary pheochromocytoma and paraganglioma. Last evaluated: 2025-10-09. Review status: criteria provided, single submitter. Criteria: Invitae Variant Classification Sherloc (09022015). Collection method: clinical testing. Allele origin: germline.
Comment: This sequence change replaces leucine, which is neutral and non-polar, with isoleucine, which is neutral and non-polar, at codon 94 of the MAX protein (p.Leu94Ile). This variant is not present in population databases (gnomAD no frequency). This variant has not been reported in the literature in individuals affected with MAX-related conditions. ClinVar contains an entry for this variant (Variation ID: 845475). Invitae Evidence Modeling incorporating data from in vitro experimental studies (internal data) indicates that this missense variant is not expected to disrupt MAX function with a negative predictive value of 95%. In summary, the available evidence is currently insufficient to determine the role of this variant in disease. Therefore, it has been classified as a Variant of Uncertain Significance.